The following is an entry in ClinVar:

ClinVar aggregate classification (germline): Uncertain significance (1 of 4 stars; one submission).

Submission:

Labcorp Genetics (formerly Invitae), Labcorp
Classification: Uncertain significance. Last evaluated: 2024-05-07. Review status: criteria provided, single submitter. Criteria: Invitae Variant Classification Sherloc (09022015). Collection method: clinical testing. Allele origin: germline.
Comment: This sequence change falls in intron 6 of the SPPL2A gene. It does not directly change the encoded amino acid sequence of the SPPL2A protein. This variant is not present in population databases (gnomAD no frequency). This variant has not been reported in the literature in individuals affected with SPPL2A-related conditions. Algorithms developed to predict the effect of sequence changes on RNA splicing suggest that this variant may disrupt the consensus splice site. In summary, the available evidence is currently insufficient to determine the role of this variant in disease. Therefore, it has been classified as a Variant of Uncertain Significance.

NM_032802.4(SPPL2A):c.734-10T>G

Gene: SPPL2A (signal peptide peptidase like 2A; minus strand). Cytogenetic location: 15q21.2.
Variant type: single nucleotide variant.
Coding change: c.734-10T>G on transcript NM_032802.4 (MANE Select); 10 bases into the intron before coding-DNA position 734, T replaced by G.
Molecular consequence: intron variant.
Genome position (GRCh38, 1-based): chr15:50,736,750, A>C on the plus strand (T>G on the coding strand, the complement: SPPL2A is on the minus strand). VCF-style: chr15-50736750-A-C. GRCh37 (hg19) VCF-style: chr15-51028947-A-C.
Identifiers: ClinVar variation 3700779 (VCV003700779.2).